The following is an entry in ClinVar:

ClinVar aggregate classification (germline): Uncertain significance. Review status: criteria provided, multiple submitters, no conflicts (2 of 4 stars). 2 submissions from 2 submitters: Uncertain significance (2). Last evaluated 2021-08-06.

Conditions:
Inborn genetic diseases. Identifiers: MedGen C0950123, MeSH D030342.

Allele frequency attached by ClinVar (database versions not stated): gnomAD 0.00001; TOPMed 0.00002.
gnomAD v4.1: 41 of 1,549,468 alleles (0.0026%); highest among the groups gnomAD compares: Non-Finnish European, 0.0036%; no homozygotes.

Submissions (2):

Labcorp Genetics (formerly Invitae), Labcorp
Classification: Uncertain significance. Last evaluated: 2021-08-06. Review status: criteria provided, single submitter. Criteria: Invitae Variant Classification Sherloc (09022015). Collection method: clinical testing. Allele origin: germline.
Comment: This sequence change replaces arginine with tryptophan at codon 646 of the PDZD7 protein (p.Arg646Trp). The arginine residue is weakly conserved and there is a moderate physicochemical difference between arginine and tryptophan. The frequency data for this variant in the population databases is considered unreliable, as metrics indicate insufficient coverage at this position in the ExAC database. This variant has not been reported in the literature in individuals affected with PDZD7-related conditions. Algorithms developed to predict the effect of missense changes on protein structure and function output the following: SIFT: "Deleterious"; PolyPhen-2: "Not Available"; Align-GVGD: "Class C0". The tryptophan amino acid residue is found in multiple mammalian species, which suggests that this missense change does not adversely affect protein function. In summary, the available evidence is currently insufficient to determine the role of this variant in disease. Therefore, it has been classified as a Variant of Uncertain Significance.

Ambry Genetics
Classification: Uncertain significance for Inborn genetic diseases. Last evaluated: 2021-08-02. Review status: criteria provided, single submitter. Criteria: Ambry Variant Classification Scheme 2023. Collection method: clinical testing. Allele origin: germline.

NM_001195263.2(PDZD7):c.1936C>T (p.Arg646Trp)

Gene: PDZD7 (PDZ domain containing 7; minus strand). Cytogenetic location: 10q24.31.
Variant type: single nucleotide variant.
Coding change: c.1936C>T on transcript NM_001195263.2 (MANE Select); coding-DNA position 1936, C replaced by T.
Protein change: p.Arg646Trp; replaces arginine 646 with tryptophan.
Molecular consequence: missense variant.
Genome position (GRCh38, 1-based): chr10:101,011,759, G>A on the plus strand (C>T on the coding strand, the complement: PDZD7 is on the minus strand). VCF-style: chr10-101011759-G-A. GRCh37 (hg19) VCF-style: chr10-102771516-G-A.
Other names: c.1936C>T (NM_001195263.1); short protein forms R646W.
Identifiers: ClinVar variation 1360633 (VCV001360633.5), dbSNP rs1192819099, ClinGen allele CA378226090.